The following is an entry in ClinVar:

ClinVar aggregate classification (germline): Conflicting classifications of pathogenicity. Review status: criteria provided, conflicting classifications (1 of 4 stars). 2 submissions from 2 submitters: Uncertain significance (1); Likely benign (1). Last evaluated 2025-06-07.

Allele frequency attached by ClinVar (database versions not stated): gnomAD 0.00001; TOPMed 0.00002.
gnomAD v4.1: 27 of 1,601,514 alleles (0.0017%); highest among the groups gnomAD compares: Non-Finnish European, 0.0019%; no homozygotes.

Submissions (2):

Ambry Genetics
Classification: Uncertain significance. Last evaluated: 2025-06-07. Review status: criteria provided, single submitter. Criteria: Ambry Variant Classification Scheme 2023. Collection method: clinical testing. Allele origin: germline.

CeGaT Center for Human Genetics Tuebingen
Classification: Likely benign. Last evaluated: 2022-06-01. Review status: criteria provided, single submitter. Criteria: CeGaT Center For Human Genetics Tuebingen Variant Classification Criteria Version 2. Collection method: clinical testing. Allele origin: germline. Affected: yes. Observed: 1 variant allele.
Comment: CEP131: BP4

NM_014984.4(CEP131):c.1855C>T (p.His619Tyr)

Gene: CEP131 (centrosomal protein 131; minus strand). Cytogenetic location: 17q25.3.
Variant type: single nucleotide variant.
Coding change: c.1855C>T on transcript NM_014984.4 (MANE Select); coding-DNA position 1855, C replaced by T.
Protein change: p.His619Tyr; replaces histidine 619 with tyrosine.
Molecular consequence: missense variant.
Genome position (GRCh38, 1-based): chr17:81,196,745, G>A on the plus strand (C>T on the coding strand, the complement: CEP131 is on the minus strand). VCF-style: chr17-81196745-G-A. GRCh37 (hg19) VCF-style: chr17-79170545-G-A.
Other names: c.1855C>T, p.His619Tyr (NM_001009811.4); c.1864C>T, p.His622Tyr (NM_001319228.2, NM_001319229.2); short protein forms H619Y, H622Y.
Identifiers: ClinVar variation 2314793 (VCV002314793.26), dbSNP rs777092393, ClinGen allele CA8829669.